The following is an entry in ClinVar:

NM_206933.4(USH2A):c.13391G>A (p.Trp4464Ter)

Gene: USH2A (usherin; minus strand). Cytogenetic location: 1q41.
Variant type: single nucleotide variant.
Coding change: c.13391G>A on transcript NM_206933.4 (MANE Select); coding-DNA position 13391, G replaced by A.
Protein change: p.Trp4464Ter; replaces tryptophan 4464 with a stop codon.
Molecular consequence: nonsense.
Genome position (GRCh38, 1-based): chr1:215,674,520, C>T on the plus strand (G>A on the coding strand, the complement: USH2A is on the minus strand). VCF-style: chr1-215674520-C-T. GRCh37 (hg19) VCF-style: chr1-215847862-C-T.
Other names: c.13391G>A (NM_206933.2); short protein forms W4464*.
Identifiers: ClinVar variation 2113269 (VCV002113269.6), dbSNP rs2464895579, ClinGen allele CA344845425.
Genomic context (GRCh38, chr1:215,674,520, plus strand): 5'-GTTCCATCCCTCCTAAGTTCATAACTTCTGATCTGGCCATTTGGGTTTCTTGGAGGTTTC[C>T]AGGTGATTTCTATTGATTCTGAGCCTGTGACTTGCAATGTTGGAGAGTCCATGTTCTCTG-3'

ClinVar aggregate classification (germline): Pathogenic. Review status: criteria provided, multiple submitters, no conflicts (2 of 4 stars). 3 submissions from 3 submitters: Pathogenic (3). Last evaluated 2026-04-22.

Conditions:
Usher syndrome type 2A. Also called: RETINAL DISEASE IN USHER SYNDROME TYPE IIA, MODIFIER OF; USHER SYNDROME, TYPE IIA. Identifiers: Orphanet 231178, Orphanet 886, MedGen C1848634, MONDO:0010169, OMIM 276901.
USH2A-related disorder. Also called: USH2A-related disorders; USH2A-related condition. Identifiers: MedGen CN239332.

Submissions (3):

Myriad Genetics, Inc.
Classification: Pathogenic for USH2A-related disorder. Last evaluated: 2026-04-22. Review status: criteria provided, single submitter. Criteria: Myriad Autosomal Dominant, Autosomal Recessive and X-Linked Classification Criteria (2023). Collection method: clinical testing. Allele origin: unknown.
Comment: NM_206933.2(USH2A):c.13391G>A(W4464*) is expected to be pathogenic in the context of USH2A-related disorders. This variant is predicted to lead to an abnormal or absent protein product due to the creation of a premature termination codon in USH2A, a gene where loss-of-function variants are known to be pathogenic. Please note: this variant was assessed in the context of healthy population screening.

Victorian Clinical Genetics Services, Murdoch Childrens Research Institute
Classification: Pathogenic for Usher syndrome type 2A. Last evaluated: 2023-07-17. Review status: criteria provided, single submitter. Criteria: ACMG Guidelines, 2015. Collection method: clinical testing. Allele origin: germline. Inheritance: Autosomal recessive inheritance. Affected: no.
Comment: Based on the classification scheme VCGS_Germline_v1.3.4, this variant is classified as Pathogenic. Following criteria are met: 0102 - Loss of function is a known mechanism of disease in this gene and is associated with Usher syndrome type 2A (MIM#276901) and retinitis pigmentosa 39 (MIM#613809). (I) 0106 - This gene is associated with autosomal recessive disease. (I) 0201 - Variant is predicted to cause nonsense-mediated decay (NMD) and loss of protein (premature termination codon is located at least 54 nucleotides upstream of the final exon-exon junction). (SP) 0251 - This variant is heterozygous. (I) 0301 - Variant is absent from gnomAD (both v2 and v3). (SP) 0701 - Other variants causing NMD comparable to the one identified in this case have very strong previous evidence for pathogenicity (DECIPHER). (SP) 0803 - This variant has limited previous evidence of pathogenicity in unrelated individuals. This variant and a substitution of an adjacent nucleotide (c.13392G>A) resulting in the same protein change have been reported as pathogenic in ClinVar by a diagnostic laboratory. (SP) 0905 - No published segregation evidence has been identified for this variant. (I) 1007 - No published functional evidence has been identified for this variant. (I) 1208 - Inheritance information for this variant is not currently available in this individual. (I) Legend: (SP) - Supporting pathogenic, (I) - Information, (SB) - Supporting benign

Labcorp Genetics (formerly Invitae), Labcorp
Classification: Pathogenic. Last evaluated: 2022-11-14. Review status: criteria provided, single submitter. Criteria: Invitae Variant Classification Sherloc (09022015). Collection method: clinical testing. Allele origin: germline.
Comment: For these reasons, this variant has been classified as Pathogenic. This variant has not been reported in the literature in individuals affected with USH2A-related conditions. This variant is not present in population databases (gnomAD no frequency). This sequence change creates a premature translational stop signal (p.Trp4464*) in the USH2A gene. It is expected to result in an absent or disrupted protein product. Loss-of-function variants in USH2A are known to be pathogenic (PMID: 10729113, 10909849, 20507924, 25649381).

Literature cited by the submitters: PubMed 10729113 (cited by Labcorp Genetics (formerly Invitae), Labcorp); PubMed 10909849 (cited by Labcorp Genetics (formerly Invitae), Labcorp); PubMed 20507924 (cited by Labcorp Genetics (formerly Invitae), Labcorp); PubMed 25649381 (cited by Labcorp Genetics (formerly Invitae), Labcorp).